The following is an entry in ClinVar:

NM_006206.6(PDGFRA):c.1362G>A (p.Lys454=)

Gene: PDGFRA (platelet derived growth factor receptor alpha; plus strand). Cytogenetic location: 4q12.
Variant type: single nucleotide variant.
Coding change: c.1362G>A on transcript NM_006206.6 (MANE Select); coding-DNA position 1362, G replaced by A.
Protein change: p.Lys454=; no amino-acid change (lysine 454 retained).
Molecular consequence: synonymous variant.
Genome position (GRCh38, 1-based): chr4:54,272,518, G>A. VCF-style: chr4-54272518-G-A. GRCh37 (hg19) VCF-style: chr4-55138685-G-A.
Other names: c.1362G>A, p.Lys454= (NM_001347827.2, NM_001347829.2); c.1437G>A, p.Lys479= (NM_001347828.2); c.1401G>A, p.Lys467= (NM_001347830.2); c.1362G>A (NM_006206.4).
Identifiers: ClinVar variation 1113460 (VCV001113460.12), dbSNP rs768356214, ClinGen allele CA2922527.

ClinVar aggregate classification (germline): Benign/Likely benign. Review status: criteria provided, multiple submitters, no conflicts (2 of 4 stars). 3 submissions from 3 submitters: Benign (1); Likely benign (2). Last evaluated 2026-06-17.

Conditions:
Gastrointestinal stromal tumor. Also called: Gastrointestinal stroma tumor; Gastrointestinal stromal tumor, somatic. Identifiers: Orphanet 44890, MedGen C0238198, MeSH D046152, MONDO:0011719, OMIM 606764, HP:0100723.
Polyps, multiple and recurrent inflammatory fibroid, gastrointestinal. Identifiers: MedGen C5193005, MONDO:0008285, OMIM 175510.
Hereditary cancer-predisposing syndrome. Also called: Neoplastic Syndromes, Hereditary; Hereditary Cancer Syndrome; Hereditary neoplastic syndrome; Tumor predisposition. Identifiers: Orphanet 140162, MedGen C0027672, MeSH D009386, MONDO:0015356.

Allele frequency attached by ClinVar (database versions not stated): gnomAD 0.00001; gnomAD exomes 0.00001; ExAC 0.00002.
gnomAD v4.1: 17 of 1,613,696 alleles (0.0011%); highest among the groups gnomAD compares: South Asian, 0.019%; no homozygotes.

Submissions (3):

Myriad Genetics, Inc.
Classification: Benign for Polyps, multiple and recurrent inflammatory fibroid, gastrointestinal. Last evaluated: 2026-06-17. Review status: criteria provided, single submitter. Criteria: Myriad Autosomal Dominant, Autosomal Recessive and X-Linked Classification Criteria (2023). Collection method: clinical testing. Allele origin: unknown.
Comment: This variant is considered benign. This variant is a silent/synonymous amino acid change and it is not expected to impact splicing.

Labcorp Genetics (formerly Invitae), Labcorp
Classification: Likely benign for Gastrointestinal stromal tumor. Last evaluated: 2025-09-27. Review status: criteria provided, single submitter. Criteria: Invitae Variant Classification Sherloc (09022015). Collection method: clinical testing. Allele origin: germline.

Ambry Genetics
Classification: Likely benign for Hereditary cancer-predisposing syndrome. Last evaluated: 2023-09-08. Review status: criteria provided, single submitter. Criteria: Ambry Variant Classification Scheme 2023. Collection method: clinical testing. Allele origin: germline.